The following is an entry in ClinVar:

ClinVar aggregate classification (germline): Likely benign (0 of 4 stars; one submission).

Conditions:
AHDC1-related disorder. Also called: AHDC1-related condition.

Allele frequency attached by ClinVar (database versions not stated): gnomAD 0.00001; ExAC 0.00002; TOPMed 0.00002; ESP Exome Variant Server 0.00008.
gnomAD v4.1: 57 of 1,558,300 alleles (0.0037%); highest among the groups gnomAD compares: Non-Finnish European, 0.0044%; no homozygotes.

Submission:

PreventionGenetics, part of Exact Sciences
Classification: Likely benign for AHDC1-related condition. Last evaluated: 2024-02-09. Review status: no assertion criteria provided. Collection method: clinical testing. Allele origin: germline.
Comment: This variant is classified as likely benign based on ACMG/AMP sequence variant interpretation guidelines (Richards et al. 2015 PMID: 25741868, with internal and published modifications).

NM_001371928.1(AHDC1):c.1091G>A (p.Arg364His)

Gene: AHDC1 (AT-hook DNA binding motif containing 1; minus strand). Cytogenetic location: 1p36.11.
Variant type: single nucleotide variant.
Coding change: c.1091G>A on transcript NM_001371928.1 (MANE Select); coding-DNA position 1091, G replaced by A.
Protein change: p.Arg364His; replaces arginine 364 with histidine.
Molecular consequence: missense variant.
Genome position (GRCh38, 1-based): chr1:27,551,025, C>T on the plus strand (G>A on the coding strand, the complement: AHDC1 is on the minus strand). VCF-style: chr1-27551025-C-T. GRCh37 (hg19) VCF-style: chr1-27877536-C-T.
Other names: c.1091G>A, p.Arg364His (NM_001029882.3); short protein forms R364H.
Identifiers: ClinVar variation 3030649 (VCV003030649.2), dbSNP rs377117403, ClinGen allele CA716024.